The following is an entry in ClinVar:

NM_153700.2(STRC):c.5215G>A (p.Gly1739Arg)

Gene: STRC (stereocilin; minus strand). Cytogenetic location: 15q15.3.
Variant type: single nucleotide variant.
Coding change: c.5215G>A on transcript NM_153700.2 (MANE Select); coding-DNA position 5215, G replaced by A.
Protein change: p.Gly1739Arg; replaces glycine 1739 with arginine.
Molecular consequence: missense variant.
Genome position (GRCh38, 1-based): chr15:43,599,984, C>T on the plus strand (G>A on the coding strand, the complement: STRC is on the minus strand). VCF-style: chr15-43599984-C-T. GRCh37 (hg19) VCF-style: chr15-43892182-C-T.
Other names: short protein forms G1739R.
Identifiers: ClinVar variation 4865224 (VCV004865224.2).

ClinVar aggregate classification (germline): Uncertain significance. Review status: criteria provided, multiple submitters, no conflicts (2 of 4 stars). 2 submissions from 2 submitters: Uncertain significance (2). Last evaluated 2026-05-26.

Conditions:
STRC-related disorder. Also called: STRC-related condition.
Inborn genetic diseases. Identifiers: MedGen C0950123, MeSH D030342.

Submissions (2):

Ambry Genetics
Classification: Uncertain significance for Inborn genetic diseases. Last evaluated: 2026-05-26. Review status: criteria provided, single submitter. Criteria: Ambry Variant Classification Scheme 2023. Collection method: clinical testing. Allele origin: germline.
Comment: The c.5215G>A (p.G1739R) alteration is located in exon 28 (coding exon 28) of the STRC gene. This alteration results from a G to A substitution at nucleotide position 5215, causing the glycine (G) at amino acid position 1739 to be replaced by an arginine (R). Based on data from gnomAD, the A allele has an overall frequency of 0.002% (4/221224) total alleles studied. The highest observed frequency was 0.021% (4/19446) of African alleles. Based on insufficient or conflicting evidence, the clinical significance of this alteration remains unclear.

PreventionGenetics, part of Exact Sciences
Classification: Uncertain significance for STRC-related condition. Last evaluated: 2026-04-01. Review status: criteria provided, single submitter. Criteria: ACMG Guidelines, 2015. Collection method: clinical testing. Allele origin: germline.
Comment: The STRC c.5215G>A variant is predicted to result in the amino acid substitution p.Gly1739Arg. To our knowledge, this variant has not been reported in the literature. This variant is reported in 0.021% of alleles in individuals of African descent in gnomAD. At this time, the clinical significance of this variant is uncertain due to the absence of conclusive functional and genetic evidence.